The following is an entry in ClinVar:

ClinVar aggregate classification (germline): Pathogenic (1 of 4 stars; one submission).

Submission:

Labcorp Genetics (formerly Invitae), Labcorp
Classification: Pathogenic. Last evaluated: 2025-11-24. Review status: criteria provided, single submitter. Criteria: Invitae Variant Classification Sherloc (09022015). Collection method: clinical testing. Allele origin: germline.
Comment: This sequence change creates a premature translational stop signal (p.Ala1402Leufs*2) in the ABCA4 gene. It is expected to result in an absent or disrupted protein product. Loss-of-function variants in ABCA4 are known to be pathogenic (PMID: 10958761, 24938718, 25312043, 26780318). This variant is not present in population databases (gnomAD no frequency). This premature translational stop signal has been observed in individual(s) with Stargardt disease (PMID: 2678031, 33732702). Algorithms developed to predict the effect of sequence changes on RNA splicing suggest that this variant may disrupt the consensus splice site. For these reasons, this variant has been classified as Pathogenic.

Literature cited by the submitters: PubMed 10958761; PubMed 24938718; PubMed 25312043; PubMed 26780318; PubMed 2678031; PubMed 33732702.

NM_000350.3(ABCA4):c.4203del (p.Ala1402fs)

Gene: ABCA4 (ATP binding cassette subfamily A member 4; minus strand). Cytogenetic location: 1p22.1.
Variant type: Deletion.
Coding change: c.4203del on transcript NM_000350.3 (MANE Select); coding-DNA position 4203, one base deleted (C; older notation c.4203delC).
Protein change: p.Ala1402fs; shifts the reading frame from alanine 1402.
Molecular consequence: frameshift variant.
Genome position (GRCh38, 1-based): chr1:94,031,046, G deleted on the plus strand (C on the coding strand, the reverse complement: ABCA4 is on the minus strand); the first of 4 consecutive G bases (chr1:94,031,046-94,031,049); deleting any one gives the same sequence. VCF-style (leftmost placement, unchanged base first): chr1-94031045-CG-C. GRCh37 (hg19) VCF-style: chr1-94496601-CG-C.
Other names: c.3981del, p.Ala1328fs (NM_001425324.1); short protein forms A1328fs, A1402fs.
Identifiers: ClinVar variation 4746855 (VCV004746855.1).